The following is an entry in ClinVar:

ClinVar aggregate classification (germline): Uncertain significance (1 of 4 stars; one submission).

Conditions:
TP63-Related Spectrum Disorders.

Allele frequency attached by ClinVar (database versions not stated): gnomAD exomes below 0.00001; 1000 Genomes Project 30x 0.00016; 1000 Genomes Project 0.00020.
gnomAD v4.1: 8 of 1,614,022 alleles (0.0005%); highest among the groups gnomAD compares: South Asian, 0.0011%; no homozygotes.

Submission:

Labcorp Genetics (formerly Invitae), Labcorp
Classification: Uncertain significance. Last evaluated: 2022-03-04. Review status: criteria provided, single submitter. Criteria: Invitae Variant Classification Sherloc (09022015). Collection method: clinical testing. Allele origin: germline.
Comment: In summary, the available evidence is currently insufficient to determine the role of this variant in disease. Therefore, it has been classified as a Variant of Uncertain Significance. This sequence change replaces lysine, which is basic and polar, with arginine, which is basic and polar, at codon 242 of the TP63 protein (p.Lys242Arg). This variant is not present in population databases (gnomAD no frequency). This variant has not been reported in the literature in individuals affected with TP63-related conditions. Algorithms developed to predict the effect of missense changes on protein structure and function are either unavailable or do not agree on the potential impact of this missense change (SIFT: "Tolerated"; PolyPhen-2: "Probably Damaging"; Align-GVGD: "Class C0").

NM_003722.5(TP63):c.725A>G (p.Lys242Arg)

Gene: TP63 (tumor protein p63; plus strand). Cytogenetic location: 3q28.
Variant type: single nucleotide variant.
Coding change: c.725A>G on transcript NM_003722.5 (MANE Select); coding-DNA position 725, A replaced by G.
Protein change: p.Lys242Arg; replaces lysine 242 with arginine.
Molecular consequence: missense variant.
Genome position (GRCh38, 1-based): chr3:189,864,377, A>G. VCF-style: chr3-189864377-A-G. GRCh37 (hg19) VCF-style: chr3-189582166-A-G.
Other names: c.725A>G, p.Lys242Arg (NM_001329148.2, NM_001114978.2, NM_001114979.2 and 1 more transcripts); c.443A>G, p.Lys148Arg (NM_001329149.2, NM_001114980.2, NM_001114981.2 and 2 more transcripts); c.188A>G, p.Lys63Arg (NM_001329150.2, NM_001329146.2); c.719A>G, p.Lys240Arg (NM_001329964.2); short protein forms K148R, K240R, K242R, K63R.
Identifiers: ClinVar variation 1979999 (VCV001979999.3), dbSNP rs201617537, ClinGen allele CA89742104.